The following is an entry in ClinVar:

ClinVar aggregate classification (germline): Pathogenic (1 of 4 stars; one submission).

Conditions:
Currarino triad. Identifiers: Orphanet 1552, MedGen C1531773, MONDO:0008305, OMIM 176450.

Submission:

Centre for Mendelian Genomics, University Medical Centre Ljubljana
Classification: Pathogenic for Currarino triad. Last evaluated: 2026-07-22. Review status: criteria provided, single submitter. Criteria: ACMG Guidelines, 2015. Collection method: clinical testing. Allele origin: germline. Affected: yes. Observed: 1 variant allele.
Comment: Classified as Pathogenic according to the ACMG/AMP (2015) guidelines, applying the following criteria: PVS1, PM2, PP4.

NM_005515.4(MNX1):c.147_148dup (p.Ala50fs)

Gene: MNX1 (motor neuron and pancreas homeobox 1; minus strand). Cytogenetic location: 7q36.3.
Variant type: Duplication.
Coding change: c.147_148dup on transcript NM_005515.4 (MANE Select); coding-DNA positions 147 to 148, 2 bases duplicated (GG; older notation c.147_148dupGG).
Protein change: p.Ala50fs; shifts the reading frame from alanine 50.
Molecular consequence: frameshift variant.
Genome position (GRCh38, 1-based): chr7:157,010,203-157,010,204, CC duplicated on the plus strand (GG on the coding strand, the reverse complement: MNX1 is on the minus strand); duplicating any 2 consecutive bases within chr7:157,010,203-157,010,206 gives the same sequence; the c. name uses the placement nearest the transcript's 3' end. VCF-style (leftmost placement, unchanged base first): chr7-157010202-G-GCC. GRCh37 (hg19) VCF-style: chr7-156802896-G-GCC.
Other names: p.Ala50Glyfster173; short protein forms A50fs.
Identifiers: ClinVar variation 4871885 (VCV004871885.1).
Genomic context (GRCh38, chr7:157,010,202, plus strand): 5'-GCGGGCGCAGCCGGCGGCTCCGAGGACGCGGGGCTGCAGCTGCCGCTAGTCCCGCCGCTC[G>GCC]CCCCGCCGCCGCCGCCGCCACCTCCGGTGCCAGATGCGGCGGCGGCGAGCGACGTGACCA-3'